The following is an entry in ClinVar:

NM_147127.5(EVC2):c.2685del (p.Val896fs)

Gene: EVC2 (EvC ciliary complex subunit 2; minus strand). Cytogenetic location: 4p16.2.
Variant type: Deletion.
Coding change: c.2685del on transcript NM_147127.5 (MANE Select); coding-DNA position 2685, one base deleted (C; older notation c.2685delC).
Protein change: p.Val896fs; shifts the reading frame from valine 896.
Molecular consequence: frameshift variant.
Genome position (GRCh38, 1-based): chr4:5,618,499, G deleted on the plus strand (C on the coding strand, the reverse complement: EVC2 is on the minus strand); the first of 2 consecutive G bases (chr4:5,618,499-5,618,500); deleting either gives the same sequence. VCF-style (leftmost placement, unchanged base first): chr4-5618498-CG-C. GRCh37 (hg19) VCF-style: chr4-5620225-CG-C.
Other names: c.2445del, p.Val816fs (NM_001166136.2); short protein forms V816fs, V896fs.
Identifiers: ClinVar variation 5013896 (VCV005013896.1).

ClinVar aggregate classification (germline): Pathogenic (1 of 4 stars; one submission).

Conditions:
Ellis-van Creveld syndrome (EVC). Also called: MESOECTODERMAL DYSPLASIA; Chondroectodermal dysplasia. Identifiers: Orphanet 289, MedGen C0013903, MONDO:0009162, OMIM 225500.

Submission:

Myriad Genetics, Inc.
Classification: Pathogenic for Ellis-van Creveld syndrome. Last evaluated: 2024-12-30. Review status: criteria provided, single submitter. Criteria: Myriad Autosomal Dominant, Autosomal Recessive and X-Linked Classification Criteria (2023). Collection method: clinical testing. Allele origin: unknown.
Comment: NM_147127.4(EVC2):c.2685delC(V896Wfs*12) is expected to be pathogenic in the context of EVC2-related Ellis-van Creveld syndrome. This variant is predicted to lead to an abnormal or absent protein product due to the creation of a premature termination codon in EVC2, a gene where loss-of-function variants are known to be pathogenic. Please note: this variant was assessed in the context of healthy population screening.